The following is an entry in ClinVar:

ClinVar aggregate classification (germline): Likely benign. Review status: criteria provided, single submitter (1 of 4 stars). 2 submissions from 2 submitters: Likely benign (1). 1 of the submissions does not count toward it. Last evaluated 2025-07-02.

Conditions:
ELN-related disorder.
Supravalvar aortic stenosis (SVAS). Also called: Supravalvar aortic stenosis, Eisenberg type. Identifiers: Orphanet 3193, MedGen C0003499, MONDO:0008504, OMIM 185500, HP:0004381.

Allele frequency attached by ClinVar (database versions not stated): gnomAD 0.00002; TOPMed 0.00002; gnomAD exomes 0.00005; ExAC 0.00006.
gnomAD v4.1: 74 of 1,613,872 alleles (0.0046%); highest among the groups gnomAD compares: Middle Eastern, 0.016%; no homozygotes.

Submissions (2):

Labcorp Genetics (formerly Invitae), Labcorp
Classification: Likely benign for Supravalvar aortic stenosis. Last evaluated: 2025-07-02. Review status: criteria provided, single submitter. Criteria: Invitae Variant Classification Sherloc (09022015). Collection method: clinical testing. Allele origin: germline.

PreventionGenetics, part of Exact Sciences
Classification: Likely benign for ELN-related condition. Last evaluated: 2019-02-27. Review status: no assertion criteria provided. Collection method: clinical testing. Allele origin: germline. Not counted in ClinVar's aggregate classification.
Comment: This variant is classified as likely benign based on ACMG/AMP sequence variant interpretation guidelines (Richards et al. 2015 PMID: 25741868, with internal and published modifications).

NM_000501.4(ELN):c.470-6C>T

Gene: ELN (elastin; plus strand). Cytogenetic location: 7q11.23.
Variant type: single nucleotide variant.
Coding change: c.470-6C>T on transcript NM_000501.4 (MANE Select); 6 bases into the intron before coding-DNA position 470, C replaced by T.
Molecular consequence: intron variant.
Genome position (GRCh38, 1-based): chr7:74,045,216, C>T. VCF-style: chr7-74045216-C-T. GRCh37 (hg19) VCF-style: chr7-73459546-C-T.
Other names: c.485-6C>T (NM_001081754.3, NM_001081753.3); c.470-6C>T (NM_001278939.2, NM_001278915.2, NM_001278912.2 and 3 more transcripts); c.434-6C>T (NM_001278913.2); c.455-6C>T (NM_001278914.2); c.440-6C>T (NM_001278917.2, NM_001081752.3); c.439+1296C>T (NM_001278918.2).
Identifiers: ClinVar variation 2025725 (VCV002025725.6), dbSNP rs782169092, ClinGen allele CA4292518.